The following is an entry in ClinVar:

ClinVar aggregate classification (germline): Likely benign. Review status: criteria provided, multiple submitters, no conflicts (2 of 4 stars). 2 submissions from 2 submitters: Likely benign (2). Last evaluated 2026-03-01.

Allele frequency attached by ClinVar (database versions not stated): gnomAD below 0.00001 and 0.00001; gnomAD exomes 0.00005 and 0.00008; ExAC 0.00011.
gnomAD v4.1: 68 of 1,613,724 alleles (0.0042%); highest among the groups gnomAD compares: South Asian, 0.074%; no homozygotes.

Submissions (2):

CeGaT Center for Human Genetics Tuebingen
Classification: Likely benign. Last evaluated: 2026-03-01. Review status: criteria provided, single submitter. Criteria: CeGaT Center For Human Genetics Tuebingen Variant Classification Criteria Version 2. Collection method: clinical testing. Allele origin: germline. Affected: yes. Observed: 1 variant allele.
Comment: APP: BP4, BP7

Labcorp Genetics (formerly Invitae), Labcorp
Classification: Likely benign. Last evaluated: 2018-05-03. Review status: criteria provided, single submitter. Criteria: Invitae Variant Classification Sherloc (09022015). Collection method: clinical testing. Allele origin: germline.

NM_000484.4(APP):c.402A>G (p.Lys134=)

Gene: APP (amyloid beta precursor protein; minus strand). Cytogenetic location: 21q21.3.
Variant type: single nucleotide variant.
Coding change: c.402A>G on transcript NM_000484.4 (MANE Select); coding-DNA position 402, A replaced by G.
Protein change: p.Lys134=; no amino-acid change (lysine 134 retained).
Molecular consequence: synonymous variant.
Genome position (GRCh38, 1-based): chr21:26,053,302, T>C on the plus strand (A>G on the coding strand, the complement: APP is on the minus strand). VCF-style: chr21-26053302-T-C. GRCh37 (hg19) VCF-style: chr21-27425618-T-C.
Other names: c.387A>G, p.Lys129= (NM_001136016.3); c.234A>G, p.Lys78= (NM_001136129.3, NM_001136130.3); c.297A>G, p.Lys99= (NM_001136131.3); c.402A>G, p.Lys134= (NM_001204301.2, NM_001204302.2, NM_001204303.2 and 3 more transcripts).
Identifiers: ClinVar variation 742020 (VCV000742020.7), dbSNP rs768518732, ClinGen allele CA9987658.